The following is an entry in ClinVar:

ClinVar aggregate classification (germline): Likely benign. Review status: criteria provided, single submitter (1 of 4 stars). 2 submissions from 2 submitters: Likely benign (1). 1 of the submissions does not count toward it. Last evaluated 2025-12-23.

Conditions:
IGSF10-related disorder. Also called: IGSF10-related condition.

Allele frequency attached by ClinVar (database versions not stated): gnomAD exomes 0.00009; TOPMed 0.00019; gnomAD 0.00027; ExAC 0.00032; 1000 Genomes Project 30x 0.00187; 1000 Genomes Project 0.00200.
gnomAD v4.1: 221 of 1,614,194 alleles (0.014%); highest among the groups gnomAD compares: East Asian, 0.28%; 2 homozygotes.

Submissions (2):

Labcorp Genetics (formerly Invitae), Labcorp
Classification: Likely benign. Last evaluated: 2025-12-23. Review status: criteria provided, single submitter. Criteria: Invitae Variant Classification Sherloc (09022015). Collection method: clinical testing. Allele origin: germline.

PreventionGenetics, part of Exact Sciences
Classification: Likely benign for IGSF10-related condition. Last evaluated: 2019-08-16. Review status: no assertion criteria provided. Collection method: clinical testing. Allele origin: germline. Not counted in ClinVar's aggregate classification.
Comment: This variant is classified as likely benign based on ACMG/AMP sequence variant interpretation guidelines (Richards et al. 2015 PMID: 25741868, with internal and published modifications).

NM_178822.5(IGSF10):c.3104G>C (p.Arg1035Thr)

Gene: IGSF10 (immunoglobulin superfamily member 10; minus strand). Cytogenetic location: 3q25.1.
Variant type: single nucleotide variant.
Coding change: c.3104G>C on transcript NM_178822.5 (MANE Select); coding-DNA position 3104, G replaced by C.
Protein change: p.Arg1035Thr; replaces arginine 1035 with threonine.
Molecular consequence: missense variant.
Genome position (GRCh38, 1-based): chr3:151,446,877, C>G on the plus strand (G>C on the coding strand, the complement: IGSF10 is on the minus strand). VCF-style: chr3-151446877-C-G. GRCh37 (hg19) VCF-style: chr3-151164665-C-G.
Other names: c.3104G>C (NM_178822.4); c.3104G>C, p.Arg1035Thr (NM_001385060.1, NM_001385061.1, NM_001385062.1 and 1 more transcripts); short protein forms R1035T.
Identifiers: ClinVar variation 2048236 (VCV002048236.6), dbSNP rs187467877, ClinGen allele CA2670229.
Genomic context (GRCh38, chr3:151,446,877, plus strand): 5'-GAGAATGCAGTAGTGCTTTTTTCAGAAGAACCTCTGGTTGTTGACCTGAAAATGCTGTAT[C>G]TATGCCGTCGCAGAACTGGAGTTCTATATGGGCTGATAATCCGCCCCCTTCCGCCAATTT-3'
Protein context (NP_849144.2, residues 1025-1045): PYRTPVLRRH[Arg1035Thr]YSIFRSTTRG